The following is an entry in ClinVar:

NM_003647.3(DGKE):c.1113del (p.Asn371fs)

Gene: DGKE (diacylglycerol kinase epsilon; plus strand). Cytogenetic location: 17q22.
Variant type: Deletion.
Coding change: c.1113del on transcript NM_003647.3 (MANE Select); coding-DNA position 1113, one base deleted (C; older notation c.1113delC).
Protein change: p.Asn371fs; shifts the reading frame from asparagine 371.
Molecular consequence: frameshift variant.
Genome position (GRCh38, 1-based): chr17:56,856,526, C deleted. VCF-style (leftmost placement, unchanged base first): chr17-56856525-AC-A. GRCh37 (hg19) VCF-style: chr17-54933886-AC-A.
Other names: short protein forms N371fs.
Identifiers: ClinVar variation 4722049 (VCV004722049.1).

ClinVar aggregate classification (germline): Pathogenic (1 of 4 stars; one submission).

Submission:

Labcorp Genetics (formerly Invitae), Labcorp
Classification: Pathogenic. Last evaluated: 2025-06-30. Review status: criteria provided, single submitter. Criteria: Invitae Variant Classification Sherloc (09022015). Collection method: clinical testing. Allele origin: germline.
Comment: This sequence change creates a premature translational stop signal (p.Asn371Lysfs*46) in the DGKE gene. It is expected to result in an absent or disrupted protein product. Loss-of-function variants in DGKE are known to be pathogenic (PMID: 23274426, 23542698). This variant is not present in population databases (gnomAD no frequency). This variant has not been reported in the literature in individuals affected with DGKE-related conditions. For these reasons, this variant has been classified as Pathogenic.

Literature cited by the submitters: PubMed 23274426; PubMed 23542698.